The following is an entry in ClinVar:

NM_000218.3(KCNQ1):c.344A>G (p.Glu115Gly)

Gene: KCNQ1 (potassium voltage-gated channel subfamily Q member 1; plus strand). Cytogenetic location: 11p15.5.
Variant type: single nucleotide variant.
Coding change: c.344A>G on transcript NM_000218.3 (MANE Select); coding-DNA position 344, A replaced by G.
Protein change: p.Glu115Gly; replaces glutamic acid 115 with glycine.
Molecular consequence: missense variant.
Genome position (GRCh38, 1-based): chr11:2,445,442, A>G. VCF-style: chr11-2445442-A-G. GRCh37 (hg19) VCF-style: chr11-2466672-A-G.
Other names: c.344A>G (LRG_287t1); short protein forms E115G.
Identifiers: ClinVar variation 53037 (VCV000053037.11), dbSNP rs199472679, ClinGen allele CA006838.

ClinVar aggregate classification (germline): Pathogenic/Likely pathogenic. Review status: criteria provided, multiple submitters, no conflicts (2 of 4 stars). 4 submissions from 4 submitters: Pathogenic (1); Likely pathogenic (2). 1 of the submissions does not count toward it. Last evaluated 2024-07-08.

Conditions:
Cardiovascular phenotype. Identifiers: MedGen CN230736.
Familial long QT syndrome (RWS). Also called: Congenital long QT syndrome; Romano-Ward syndrome; VENTRICULAR FIBRILLATION WITH PROLONGED QT INTERVAL. Identifiers: Orphanet 768, MedGen C1141890, MONDO:0019171.
Long QT syndrome (LQTS). Identifiers: MedGen C0023976, MeSH D008133, MONDO:0002442. Disease mechanism: loss of function. Inheritance: Various modes of inheritance.

Submissions (4):

GeneDx
Classification: Likely pathogenic. Last evaluated: 2024-07-08. Review status: criteria provided, single submitter. Criteria: GeneDx Variant Classification Process June 2021. Collection method: clinical testing. Allele origin: germline. Affected: yes.
Comment: Identified in a patient referred for LQTS in published literature (PMID: 15840476); Functional studies demonstrate that this variant is folding-defective and results in trafficking defects and significantly reduced channel function (PMID: 30571187, 29532034); Not observed at significant frequency in large population cohorts (gnomAD); In silico analysis supports that this missense variant has a deleterious effect on protein structure/function; This variant is associated with the following publications: (PMID: 19862833, 17053194, 22581653, 36339618, 35442947, 29532034, 32960579, 30571187, 15840476)

Labcorp Genetics (formerly Invitae), Labcorp
Classification: Pathogenic for Long QT syndrome. Last evaluated: 2024-02-27. Review status: criteria provided, single submitter. Criteria: Invitae Variant Classification Sherloc (09022015). Collection method: clinical testing. Allele origin: germline.
Comment: This sequence change replaces glutamic acid, which is acidic and polar, with glycine, which is neutral and non-polar, at codon 115 of the KCNQ1 protein (p.Glu115Gly). This variant is not present in population databases (gnomAD no frequency). This missense change has been observed in individuals with clinical features of long QT syndrome (PMID: 15840476; Invitae). ClinVar contains an entry for this variant (Variation ID: 53037). Advanced modeling of protein sequence and biophysical properties (such as structural, functional, and spatial information, amino acid conservation, physicochemical variation, residue mobility, and thermodynamic stability) performed at Invitae indicates that this missense variant is expected to disrupt KCNQ1 protein function with a positive predictive value of 95%. Experimental studies have shown that this missense change affects KCNQ1 function (PMID: 29532034, 30571187). This variant disrupts the p.Glu115 amino acid residue in KCNQ1. Other variant(s) that disrupt this residue have been observed in individuals with KCNQ1-related conditions (Invitae), which suggests that this may be a clinically significant amino acid residue. For these reasons, this variant has been classified as Pathogenic.

Ambry Genetics
Classification: Likely pathogenic for Cardiovascular phenotype. Last evaluated: 2019-12-13. Review status: criteria provided, single submitter. Criteria: Ambry Variant Classification Scheme 2023. Collection method: clinical testing. Allele origin: germline.
Comment: The p.E115G variant (also known as c.344A>G), located in coding exon 1 of the KCNQ1 gene, results from an A to G substitution at nucleotide position 344. The glutamic acid at codon 115 is replaced by glycine, an amino acid with similar properties. This alteration has been reported in a long QT syndrome (LQTS) cohort with limited clinical information (Tester DJ et al. Heart Rhythm. 2005;2:507-17). In vitro functional analysis suggests this variant results in significantly reduced channel current and a dominant negative trafficking defect (Huang H et al. Sci Adv. 2018;4:eaar2631). Internal structural analysis indicates that this variant interacts with residues of known function and is more disruptive than known pathogenic variants in the region (Ambry internal data; Berman HM et al. Acta Crystallogr. D Biol. Crystallogr. 2002;58:899-907). This amino acid position is highly conserved in available vertebrate species. In addition, this alteration is predicted to be deleterious by in silico analysis. Based on the majority of available evidence to date, this variant is likely to be pathogenic.

Cardiovascular Biomedical Research Unit, Royal Brompton & Harefield NHS Foundation Trust
No classification provided. Condition: Familial long QT syndrome. Review status: no classification provided. Collection method: literature only. Allele origin: germline. Not counted in ClinVar's aggregate classification.
Comment: This variant has been reported as associated with Long QT syndrome in the following publications (PMID:15840476). This is a literature report, and does not necessarily reflect the clinical interpretation of the Imperial College / Royal Brompton Cardiovascular Genetics laboratory.

Literature cited by the submitters: PubMed 15840476 (cited by 3 submitters); PubMed 29532034 (cited by Labcorp Genetics (formerly Invitae), Labcorp and Ambry Genetics); PubMed 30571187 (cited by Labcorp Genetics (formerly Invitae), Labcorp); PubMed 22581653 (cited by Cardiovascular Biomedical Research Unit, Royal Brompton & Harefield NHS Foundation Trust).